The following is an entry in ClinVar:

NM_005262.3(GFER):c.390C>T (p.Ala130=)

Gene: GFER (growth factor, augmenter of liver regeneration; plus strand). Cytogenetic location: 16p13.3.
Variant type: single nucleotide variant.
Coding change: c.390C>T on transcript NM_005262.3 (MANE Select); coding-DNA position 390, C replaced by T.
Protein change: p.Ala130=; no amino-acid change (alanine 130 retained).
Molecular consequence: synonymous variant.
Genome position (GRCh38, 1-based): chr16:1,984,878, C>T. VCF-style: chr16-1984878-C-T. GRCh37 (hg19) VCF-style: chr16-2034879-C-T.
Identifiers: ClinVar variation 2063259 (VCV002063259.5), dbSNP rs2083555170, ClinGen allele CA492949713.
Genomic context (GRCh38, chr16:1,984,878, plus strand): 5'-CCACACCCTGGCCGCCTACTACCCCGACCTGCCCACCCCAGAACAGCAGCAAGACATGGC[C>T]CAGTTCATACATTTATTTTCTAAGTTTTACCCCTGTGAGGAGTGTGCTGAAGACCTAAGA-3'
Protein context (NP_005253.3, residues 120-140): LPTPEQQQDM[Ala130=]QFIHLFSKFY

ClinVar aggregate classification (germline): Likely benign. Review status: criteria provided, multiple submitters, no conflicts (2 of 4 stars). 2 submissions from 2 submitters: Likely benign (2). Last evaluated 2026-07-01.

Allele frequency attached by ClinVar (database versions not stated): gnomAD 0.00001.
gnomAD v4.1: 3 of 1,613,652 alleles (0.00019%); highest among the groups gnomAD compares: African/African-American, 0.0013%; no homozygotes.

Submissions (2):

CeGaT Center for Human Genetics Tuebingen
Classification: Likely benign. Last evaluated: 2026-07-01. Review status: criteria provided, single submitter. Criteria: CeGaT Center For Human Genetics Tuebingen Variant Classification Criteria Version 2. Collection method: clinical testing. Allele origin: germline. Affected: yes. Observed: 1 variant allele.
Comment: GFER: BP4, BP7

Labcorp Genetics (formerly Invitae), Labcorp
Classification: Likely benign. Last evaluated: 2022-10-01. Review status: criteria provided, single submitter. Criteria: Invitae Variant Classification Sherloc (09022015). Collection method: clinical testing. Allele origin: germline.